The following is an entry in ClinVar:

ClinVar aggregate classification (germline): Uncertain significance (1 of 4 stars; one submission).

Conditions:
Hereditary cancer-predisposing syndrome. Also called: Neoplastic Syndromes, Hereditary; Hereditary Cancer Syndrome; Tumor predisposition; Hereditary neoplastic syndrome. Identifiers: Orphanet 140162, MedGen C0027672, MeSH D009386, MONDO:0015356.

Submission:

Ambry Genetics
Classification: Uncertain significance for Hereditary cancer-predisposing syndrome. Last evaluated: 2024-05-27. Review status: criteria provided, single submitter. Criteria: Ambry Variant Classification Scheme 2023. Collection method: clinical testing. Allele origin: germline.
Comment: The c.801delA variant, located in coding exon 3 of the XRCC2 gene, results from a deletion of one nucleotide at nucleotide position 801, causing a translational frameshift with a predicted alternate stop codon (p.K267Nfs*30). This alteration has been reported in 1/2984 non-small cell lung cancer cases and 1/3020 cancer-free control individuals of Chinese ancestry (Wang C et al. Cancer Cell, 2022 Oct;40:1223-1239.e6). This alteration occurs at the 3' terminus of theXRCC2 gene, is not expected to trigger nonsense-mediated mRNAdecay and results in the elongation of the protein by 15 amino acids. This frameshift impacts the last 14 amino acids of the native protein. The exact functional effect of the altered amino acids is unknown. Based on the available evidence, the clinical significance of this variant remains unclear.

Literature cited by the submitters: PubMed 36113475.

NM_005431.2(XRCC2):c.801del (p.Lys267fs)

Gene: XRCC2 (X-ray repair cross complementing 2; minus strand). Cytogenetic location: 7q36.1.
Variant type: Deletion.
Coding change: c.801del on transcript NM_005431.2 (MANE Select); coding-DNA position 801, one base deleted (A; older notation c.801delA).
Protein change: p.Lys267fs; shifts the reading frame from lysine 267.
Molecular consequence: frameshift variant.
Genome position (GRCh38, 1-based): chr7:152,648,684, T deleted on the plus strand (A on the coding strand, the reverse complement: XRCC2 is on the minus strand); the first of 7 consecutive T bases (chr7:152,648,684-152,648,690); deleting any one gives the same sequence. VCF-style (leftmost placement, unchanged base first): chr7-152648683-GT-G. GRCh37 (hg19) VCF-style: chr7-152345768-GT-G.
Other names: short protein forms K267fs.
Identifiers: ClinVar variation 2447654 (VCV002447654.3), dbSNP rs759063323, ClinGen allele CA458895101.